The following is an entry in ClinVar:

ClinVar aggregate classification (germline): Uncertain significance (1 of 4 stars; one submission).

Conditions:
Cardiovascular phenotype. Identifiers: MedGen CN230736.

Submission:

Ambry Genetics
Classification: Uncertain significance for Cardiovascular phenotype. Last evaluated: 2026-01-12. Review status: criteria provided, single submitter. Criteria: Ambry Variant Classification Scheme 2023. Collection method: clinical testing. Allele origin: germline.
Comment: The p.K19T variant (also known as c.56A>C), located in coding exon 1 of the LDLRAP1 gene, results from an A to C substitution at nucleotide position 56. The lysine at codon 19 is replaced by threonine, an amino acid with similar properties. This amino acid position is conserved. In addition, this alteration is predicted to be tolerated by in silico analysis. Based on the available evidence, the clinical significance of this variant remains unclear.

NM_015627.3(LDLRAP1):c.56A>C (p.Lys19Thr)

Genes: LDLRAP1 (low density lipoprotein receptor adaptor protein 1; plus strand), LOC129929773 (ATAC-STARR-seq lymphoblastoid silent region 456; plus strand). Cytogenetic location: 1p36.11.
Variant type: single nucleotide variant.
Coding change: c.56A>C on transcript NM_015627.3 (MANE Select); coding-DNA position 56, A replaced by C.
Protein change: p.Lys19Thr; replaces lysine 19 with threonine.
Molecular consequence: missense variant.
Genome position (GRCh38, 1-based): chr1:25,543,754, A>C. VCF-style: chr1-25543754-A-C. GRCh37 (hg19) VCF-style: chr1-25870245-A-C.
Other names: short protein forms K19T.
Identifiers: ClinVar variation 4841847 (VCV004841847.1).